The following is an entry in ClinVar:

ClinVar aggregate classification (germline): Likely benign. Review status: criteria provided, single submitter (1 of 4 stars). 2 submissions from 2 submitters: Likely benign (1). 1 of the submissions does not count toward it. Last evaluated 2023-10-03.

Conditions:
ITCH-related disorder. Also called: ITCH-related condition.
Syndromic multisystem autoimmune disease due to ITCH deficiency. Also called: AUTOIMMUNE DISEASE, MULTISYSTEM, WITH FACIAL DYSMORPHISM. Identifiers: Orphanet 228426, MedGen C3150649, MONDO:0013245, OMIM 613385.

Allele frequency attached by ClinVar (database versions not stated): gnomAD 0.00001; TOPMed 0.00001.
gnomAD v4.1: 15 of 1,612,986 alleles (0.00093%); highest among the groups gnomAD compares: African/African-American, 0.0053%; no homozygotes.

Submissions (2):

Labcorp Genetics (formerly Invitae), Labcorp
Classification: Likely benign for Syndromic multisystem autoimmune disease due to ITCH deficiency. Last evaluated: 2023-10-03. Review status: criteria provided, single submitter. Criteria: Invitae Variant Classification Sherloc (09022015). Collection method: clinical testing. Allele origin: germline.

PreventionGenetics, part of Exact Sciences
Classification: Likely benign for ITCH-related condition. Last evaluated: 2019-04-10. Review status: no assertion criteria provided. Collection method: clinical testing. Allele origin: germline. Not counted in ClinVar's aggregate classification.
Comment: This variant is classified as likely benign based on ACMG/AMP sequence variant interpretation guidelines (Richards et al. 2015 PMID: 25741868, with internal and published modifications).

NM_031483.7(ITCH):c.1296-5C>T

Gene: ITCH (itchy E3 ubiquitin protein ligase; plus strand). Cytogenetic location: 20q11.22.
Variant type: single nucleotide variant.
Coding change: c.1296-5C>T on transcript NM_031483.7 (MANE Select); 5 bases into the intron before coding-DNA position 1296, C replaced by T.
Molecular consequence: intron variant.
Genome position (GRCh38, 1-based): chr20:34,462,088, C>T. VCF-style: chr20-34462088-C-T. GRCh37 (hg19) VCF-style: chr20-33049893-C-T.
Other names: c.1296-5C>T (NM_031483.6, NM_001324198.2); c.1419-5C>T (NM_001324197.2, NM_001257137.3); c.966-5C>T (NM_001257138.3).
Identifiers: ClinVar variation 3015974 (VCV003015974.5), dbSNP rs1408067966, ClinGen allele CA635331215.